The following is an entry in ClinVar:

ClinVar aggregate classification (germline): Uncertain significance. Review status: criteria provided, multiple submitters, no conflicts (2 of 4 stars). 6 submissions from 6 submitters: Uncertain significance (5). 1 of the submissions does not count toward it. Last evaluated 2025-12-02.

Conditions:
Cardiovascular phenotype. Identifiers: MedGen CN230736.
Cardiac arrhythmia. Also called: Cardiac rhythm disease; Arrhythmia. Identifiers: MedGen C0003811, MONDO:0007263, HP:0011675.
Short QT syndrome. Also called: Familial short QT syndrome. Identifiers: Orphanet 51083, MedGen C2348199, MONDO:0000453.
Long QT syndrome (LQTS). Identifiers: MedGen C0023976, MeSH D008133, MONDO:0002442. Disease mechanism: loss of function. Inheritance: Various modes of inheritance.

Allele frequency attached by ClinVar (database versions not stated): TOPMed below 0.00001; gnomAD 0.00001.
gnomAD v4.1: 2 of 1,611,780 alleles (0.00012%); highest among the groups gnomAD compares: Non-Finnish European, 0.00017%; no homozygotes.

Submissions (6):

Greenwood Genetic Center Diagnostic Laboratories, Greenwood Genetic Center
Classification: Uncertain significance. Last evaluated: 2025-12-02. Review status: criteria provided, single submitter. Criteria: ACMG Guidelines, 2015. Collection method: clinical testing. Allele origin: germline. Affected: yes.
Comment: PM2

All of Us Research Program, National Institutes of Health
Classification: Uncertain significance for Long QT syndrome. Last evaluated: 2024-07-29. Review status: criteria provided, single submitter. Criteria: ACMG Guidelines, 2015. Collection method: clinical testing. Allele origin: germline. Inheritance: Autosomal dominant inheritance. Observed: 2 variant alleles, 2 heterozygotes.
Comment: This missense variant replaces glutamic acid with aspartic acid at codon 50 of the KCNH2 protein. Computational prediction is inconclusive regarding the impact of this variant on protein structure and function (internally defined REVEL score threshold 0.5 < inconclusive < 0.7, PMID: 27666373). To our knowledge, functional studies have not been reported for this variant. This variant has been reported in at least 1 individual affected with short QT syndrome (PMID: 19340359) and 1 individual with suspected short QT syndrome (doi/10.1161/circ.124.suppl_21.A12845). This variant has not been identified in the general population by the Genome Aggregation Database (gnomAD). The available evidence is insufficient to determine the role of this variant in disease conclusively. Therefore, this variant is classified as a Variant of Uncertain Significance.

This study involves interpretation of variants in research participants for the purpose of population health screening. Participant phenotype was not available at the time of variant classification. Additional details can be found in publication PMID: 35346344, PMCID: PMC8962531

Color Diagnostics, LLC DBA Color Health
Classification: Uncertain significance for Cardiac arrhythmia. Last evaluated: 2024-07-18. Review status: criteria provided, single submitter. Criteria: ACMG Guidelines, 2015. Collection method: clinical testing. Allele origin: germline.
Comment: This missense variant replaces glutamic acid with aspartic acid at codon 50 of the KCNH2 protein. Computational prediction is inconclusive regarding the impact of this variant on protein structure and function. To our knowledge, functional studies have not been reported for this variant. This variant has been reported in an individual affected with short QT syndrome (PMID: 19340359) and in an individual with suspected short QT syndrome (doi/10.1161/circ.124.suppl_21.A12845). This variant has not been identified in the general population by the Genome Aggregation Database (gnomAD). The available evidence is insufficient to determine the role of this variant in disease conclusively. Therefore, this variant is classified as a Variant of Uncertain Significance.

Labcorp Genetics (formerly Invitae), Labcorp
Classification: Uncertain significance for Long QT syndrome. Last evaluated: 2023-05-02. Review status: criteria provided, single submitter. Criteria: Invitae Variant Classification Sherloc (09022015). Collection method: clinical testing. Allele origin: germline.
Comment: In summary, the available evidence is currently insufficient to determine the role of this variant in disease. Therefore, it has been classified as a Variant of Uncertain Significance. An algorithm developed to predict the effect of missense changes on protein structure and function (PolyPhen-2) suggests that this variant is likely to be tolerated. ClinVar contains an entry for this variant (Variation ID: 67211). This missense change has been observed in individual(s) with KCNH2-related conditions (PMID: 19340359). This variant is not present in population databases (gnomAD no frequency). This sequence change replaces glutamic acid, which is acidic and polar, with aspartic acid, which is acidic and polar, at codon 50 of the KCNH2 protein (p.Glu50Asp).

Ambry Genetics
Classification: Uncertain significance for Cardiovascular phenotype. Last evaluated: 2016-06-06. Review status: criteria provided, single submitter. Criteria: Ambry Variant Classification Scheme 2023. Collection method: clinical testing. Allele origin: germline.

Cardiovascular Biomedical Research Unit, Royal Brompton & Harefield NHS Foundation Trust
No classification provided. Condition: Short QT syndrome. Review status: no classification provided. Collection method: literature only. Allele origin: germline. Not counted in ClinVar's aggregate classification.
Comment: This variant has been reported as associated with Short QT syndrome in the following publications (PMID:19340359). This is a literature report, and does not necessarily reflect the clinical interpretation of the Imperial College / Royal Brompton Cardiovascular Genetics laboratory.

Literature cited by the submitters: PubMed 19340359 (cited by 4 submitters); PubMed 22581653 (cited by Cardiovascular Biomedical Research Unit, Royal Brompton & Harefield NHS Foundation Trust).

NM_000238.4(KCNH2):c.150G>T (p.Glu50Asp)

Gene: KCNH2 (potassium voltage-gated channel subfamily H member 2; minus strand). Cytogenetic location: 7q36.1.
Variant type: single nucleotide variant.
Coding change: c.150G>T on transcript NM_000238.4 (MANE Select); coding-DNA position 150, G replaced by T.
Protein change: p.Glu50Asp; replaces glutamic acid 50 with aspartic acid.
Molecular consequence: missense variant.
Genome position (GRCh38, 1-based): chr7:150,974,868, C>A on the plus strand (G>T on the coding strand, the complement: KCNH2 is on the minus strand). VCF-style: chr7-150974868-C-A. GRCh37 (hg19) VCF-style: chr7-150671956-C-A.
Other names: c.-28G>T (NM_001406755.1); c.150G>T, p.Glu50Asp (NM_172056.3); c.150G>T (LRG_288t1); short protein forms E50D.
Identifiers: ClinVar variation 67211 (VCV000067211.10), dbSNP rs199472841, ClinGen allele CA004747.